The following is an entry in ClinVar:

ClinVar aggregate classification (germline): Uncertain significance (1 of 4 stars; one submission).

Submission:

GeneDx
Classification: Uncertain significance. Last evaluated: 2025-01-31. Review status: criteria provided, single submitter. Criteria: GeneDx Variant Classification Process June 2021. Collection method: clinical testing. Allele origin: germline. Affected: yes.
Comment: Not observed at significant frequency in large population cohorts (gnomAD); In silico analysis indicates that this variant does not alter splicing; Has not been previously published as pathogenic or benign to our knowledge

NM_000159.4(GCDH):c.1243+5_1243+7del

Gene: GCDH (glutaryl-CoA dehydrogenase; plus strand). Cytogenetic location: 19p13.13.
Variant type: Deletion.
Coding change: c.1243+5_1243+7del on transcript NM_000159.4 (MANE Select); bases 5 to 7 of the intron after coding-DNA position 1243, 3 bases deleted (GAG; older notation c.1243+5_1243+7delGAG).
Molecular consequence: intron variant.
Genome position (GRCh38, 1-based): chr19:12,897,868-12,897,870, GAG deleted; deleting any 3 consecutive bases within chr19:12,897,866-12,897,870 gives the same sequence; the c. name uses the placement nearest the transcript's 3' end. VCF-style (leftmost placement, unchanged base first): chr19-12897865-TAGG-T. GRCh37 (hg19) VCF-style: chr19-13008679-TAGG-T.
Other names: c.1243+5_1243+7del (NM_013976.5).
Identifiers: ClinVar variation 4072664 (VCV004072664.1).